The following is an entry in ClinVar:

ClinVar aggregate classification (germline): Likely pathogenic (1 of 4 stars; one submission).

Conditions:
Metachromatic leukodystrophy (MLD). Also called: SULFATIDE LIPIDOSIS; ARSA DEFICIENCY; CEREBROSIDE SULFATASE DEFICIENCY; METACHROMATIC LEUKOENCEPHALOPATHY; Cerebral sclerosis diffuse metachromatic form; Arylsulfatase A Deficiency. Identifiers: Orphanet 512, MedGen C0023522, MONDO:0018868, OMIM 250100.

Allele frequency attached by ClinVar (database versions not stated): ExAC 0.00001; gnomAD 0.00001; 1000 Genomes Project 0.00020; 1000 Genomes Project 30x 0.00031.
gnomAD v4.1: 3 of 1,613,758 alleles (0.00019%); highest among the groups gnomAD compares: African/African-American, 0.004%; no homozygotes.

Submissions (2):

Labcorp Genetics (formerly Invitae), Labcorp
Classification: Likely pathogenic for Metachromatic leukodystrophy. Last evaluated: 2023-02-23. Review status: criteria provided, single submitter. Criteria: Invitae Variant Classification Sherloc (09022015). Collection method: clinical testing. Allele origin: germline.
Comment: In summary, the currently available evidence indicates that the variant is pathogenic, but additional data are needed to prove that conclusively. Therefore, this variant has been classified as Likely Pathogenic. This variant disrupts the p.Pro379 amino acid residue in ARSA. Other variant(s) that disrupt this residue have been determined to be pathogenic (PMID: 7749412). This suggests that this residue is clinically significant, and that variants that disrupt this residue are likely to be disease-causing. Algorithms developed to predict the effect of sequence changes on RNA splicing suggest that this variant may disrupt the consensus splice site. Advanced modeling of protein sequence and biophysical properties (such as structural, functional, and spatial information, amino acid conservation, physicochemical variation, residue mobility, and thermodynamic stability) performed at Invitae indicates that this missense variant is expected to disrupt ARSA protein function. This variant has not been reported in the literature in individuals affected with ARSA-related conditions. This variant is present in population databases (rs74315478, gnomAD 0.007%). This sequence change replaces proline, which is neutral and non-polar, with glutamine, which is neutral and polar, at codon 379 of the ARSA protein (p.Pro379Gln).

Dr. Peter K. Rogan Lab, Western University
No classification provided (evidence only). Condition: Clear cell carcinoma of kidney. Review status: no classification provided. Collection method: in vitro. Allele origin: not applicable. Functional consequence: retained intron. Not counted in ClinVar's aggregate classification.

Literature cited by the submitters: PubMed 7749412 (cited by Labcorp Genetics (formerly Invitae), Labcorp).

NM_000487.6(ARSA):c.1136C>A (p.Pro379Gln)

Gene: ARSA (arylsulfatase A; minus strand). Cytogenetic location: 22q13.33.
Variant type: single nucleotide variant.
Coding change: c.1136C>A on transcript NM_000487.6 (MANE Select); coding-DNA position 1136, C replaced by A.
Protein change: p.Pro379Gln; replaces proline 379 with glutamine.
Molecular consequence: missense variant.
Genome position (GRCh38, 1-based): chr22:50,625,653, G>T on the plus strand (C>A on the coding strand, the complement: ARSA is on the minus strand). VCF-style: chr22-50625653-G-T. GRCh37 (hg19) VCF-style: chr22-51064081-G-T.
Other names: c.1136C>A, p.Pro379Gln (NM_001085425.3, NM_001085426.3, NM_001085427.3); c.878C>A, p.Pro293Gln (NM_001085428.3, NM_001362782.2); short protein forms P379Q, P293Q.
Identifiers: ClinVar variation 2775712 (VCV002775712.6), dbSNP rs74315478, ClinGen allele CA10324808.
Genomic context (GRCh38, chr22:50,625,653, plus strand): 5'-TGAGCCTTGTACTTTCCAGTCCGCACAGCAAAAACCCCACGGACCTCGTCTGGGTAGGAC[G>T]GGTAGAAGAAGAGAGACTGCCGAGGGCTCTGGGGGCAGAGTCAGGGGTCACGGGGCGGGG-3'
Protein context (NP_000478.3, residues 369-389): KSPRQSLFFY[Pro379Gln]SYPDEVRGVF